The following is an entry in ClinVar:

ClinVar aggregate classification (germline): Benign/Likely benign. Review status: criteria provided, multiple submitters, no conflicts (2 of 4 stars). 4 submissions from 3 submitters: Benign (1); Likely benign (3). Last evaluated 2023-06-01.

Conditions:
Isolated focal cortical dysplasia type II (FCORD2). Also called: Focal cortical dysplasia type II; CORTICAL DYSPLASIA OF TAYLOR. Identifiers: Orphanet 268994, MedGen C1846385, MONDO:0011818, OMIM 607341, HP:0032051.
Tuberous sclerosis 1 (TSC1). Identifiers: Orphanet 805, MedGen C1854465, MONDO:0008612, OMIM 191100.

Allele frequency attached by ClinVar (database versions not stated): gnomAD 0.00034 and 0.00052; TOPMed 0.00035; gnomAD exomes 0.00088; 1000 Genomes Project 30x 0.00109; 1000 Genomes Project 0.00120.
gnomAD v4.1: 150 of 233,402 alleles (0.064%); highest among the groups gnomAD compares: South Asian, 0.65%; 1 homozygote.

Submissions (4):

CeGaT Center for Human Genetics Tuebingen
Classification: Likely benign. Last evaluated: 2023-06-01. Review status: criteria provided, single submitter. Criteria: CeGaT Center For Human Genetics Tuebingen Variant Classification Criteria Version 2. Collection method: clinical testing. Allele origin: germline. Affected: yes. Observed: 4 variant alleles.
Comment: TSC1: BS1

Illumina Laboratory Services, Illumina
Classification: Benign for Isolated focal cortical dysplasia type II. Last evaluated: 2018-01-13. Review status: criteria provided, single submitter. Criteria: ICSL Variant Classification Criteria 13 December 2019. Collection method: clinical testing. Allele origin: germline.
Comment: This variant was observed in the ICSL laboratory as part of a predisposition screen in an ostensibly healthy population. It had not been previously curated by ICSL or reported in the Human Gene Mutation Database (HGMD: prior to June 1st, 2018), and was therefore a candidate for classification through an automated scoring system. Utilizing variant allele frequency, disease prevalence and penetrance estimates, and inheritance mode, an automated score was calculated to assess if this variant is too frequent to cause the disease. Based on the score and internal cut-off values, a variant classified as benign is not then subjected to further curation. The score for this variant resulted in a classification of benign for this disease.

Illumina Laboratory Services, Illumina
Classification: Likely benign for Tuberous sclerosis 1. Last evaluated: 2018-01-13. Review status: criteria provided, single submitter. Criteria: ICSL Variant Classification Criteria 13 December 2019. Collection method: clinical testing. Allele origin: germline.
Comment: This variant was observed in the ICSL laboratory as part of a predisposition screen in an ostensibly healthy population. It had not been previously curated by ICSL or reported in the Human Gene Mutation Database (HGMD: prior to June 1st, 2018), and was therefore a candidate for classification through an automated scoring system. Utilizing variant allele frequency, disease prevalence and penetrance estimates, and inheritance mode, an automated score was calculated to assess if this variant is too frequent to cause the disease. Based on the score and internal cut-off values, a variant classified as likely benign is not then subjected to further curation. The score for this variant resulted in a classification of likely benign for this disease.

Breakthrough Genomics
Classification: Likely benign. Review status: criteria provided, single submitter. Criteria: ACMG Guidelines, 2015. Collection method: not provided. Allele origin: germline. Inheritance: Autosomal dominant inheritance. Affected: yes.

NM_000368.5(TSC1):c.*3988G>A

Gene: TSC1 (TSC complex subunit 1; minus strand). Cytogenetic location: 9q34.13.
Variant type: single nucleotide variant.
Coding change: c.*3988G>A on transcript NM_000368.5 (MANE Select); 3988 bases downstream of the stop codon, G replaced by A.
Molecular consequence: 3 prime UTR variant.
Genome position (GRCh38, 1-based): chr9:132,892,247, C>T on the plus strand (G>A on the coding strand, the complement: TSC1 is on the minus strand). VCF-style: chr9-132892247-C-T. GRCh37 (hg19) VCF-style: chr9-135767634-C-T.
Other names: c.*3988G>A (NM_001162426.2, NM_001162427.2, NM_001362177.2).
Identifiers: ClinVar variation 365406 (VCV000365406.34), dbSNP rs563835484, ClinGen allele CA10632943.